The following is an entry in ClinVar:

ClinVar aggregate classification (germline): Conflicting classifications of pathogenicity. Review status: criteria provided, conflicting classifications (1 of 4 stars). 4 submissions from 4 submitters: Uncertain significance (1); Benign (1); Likely benign (1). 1 of the submissions does not count toward it. Last evaluated 2025-11-13.

Conditions:
KMT2D-related disorder. Also called: KMT2D-Related Disorders.
Kabuki syndrome. Also called: Kabuki make-up syndrome; NIIKAWA-KUROKI SYNDROME. Identifiers: Orphanet 2322, MedGen C0796004, MONDO:0016512.
Kabuki syndrome 1 (KABUK1). Also called: KMT2D-Related Kabuki Syndrome. Identifiers: Orphanet 2322, MedGen CN030661, MONDO:0007843, OMIM 147920.
Choanal atresia-athelia-hypothyroidism-delayed puberty-short stature syndrome (BCAHH). Also called: BRANCHIAL ARCH ABNORMALITIES, CHOANAL ATRESIA, ATHELIA, HEARING LOSS, AND HYPOTHYROIDISM SYNDROME. Identifiers: Orphanet 589856, MedGen C5680310, MONDO:0035651, OMIM 620186.

Allele frequency attached by ClinVar (database versions not stated): ExAC 0.00001; gnomAD 0.00001; gnomAD exomes 0.00002; TOPMed 0.00002.
gnomAD v4.1: 32 of 1,613,570 alleles (0.002%); highest among the groups gnomAD compares: Non-Finnish European, 0.0025%; no homozygotes.

Submissions (4):

Labcorp Genetics (formerly Invitae), Labcorp
Classification: Benign for Kabuki syndrome. Last evaluated: 2025-11-13. Review status: criteria provided, single submitter. Criteria: Invitae Variant Classification Sherloc (09022015). Collection method: clinical testing. Allele origin: germline.

Blueprint Genetics
Classification: Likely benign. Last evaluated: 2024-11-11. Review status: criteria provided, single submitter. Criteria: ACMG Guidelines, 2015. Collection method: clinical testing. Allele origin: germline.

Fulgent Genetics
Classification: Uncertain significance for Kabuki syndrome 1; Choanal atresia-athelia-hypothyroidism-delayed puberty-short stature syndrome. Last evaluated: 2024-05-19. Review status: criteria provided, single submitter. Criteria: ACMG Guidelines, 2015. Collection method: clinical testing. Allele origin: germline.

PreventionGenetics, part of Exact Sciences
Classification: Likely benign for KMT2D-related condition. Last evaluated: 2024-08-06. Review status: no assertion criteria provided. Collection method: clinical testing. Allele origin: germline. Not counted in ClinVar's aggregate classification.
Comment: This variant is classified as likely benign based on ACMG/AMP sequence variant interpretation guidelines (Richards et al. 2015 PMID: 25741868, with internal and published modifications).

NM_003482.4(KMT2D):c.3393G>A (p.Pro1131=)

Gene: KMT2D (lysine methyltransferase 2D; minus strand). Cytogenetic location: 12q13.12.
Variant type: single nucleotide variant.
Coding change: c.3393G>A on transcript NM_003482.4 (MANE Select); coding-DNA position 3393, G replaced by A.
Protein change: p.Pro1131=; no amino-acid change (proline 1131 retained).
Molecular consequence: synonymous variant.
Genome position (GRCh38, 1-based): chr12:49,050,195, C>T on the plus strand (G>A on the coding strand, the complement: KMT2D is on the minus strand). VCF-style: chr12-49050195-C-T. GRCh37 (hg19) VCF-style: chr12-49443978-C-T.
Identifiers: ClinVar variation 2189078 (VCV002189078.7), dbSNP rs552562610, ClinGen allele CA6548056.
Genomic context (GRCh38, chr12:49,050,195, plus strand): 5'-GGAGCCTTTAAGTTCACTAGCCAAACTGCCAGGGGTCTGTCCAGGCTCTGGCTGTGAACC[C>T]GGAGCATCAATCCCATCCAGAGGGGCTGTGTCTTCCCCTAGGCCAGAGAAGTCATCCAGG-3'
Protein context (NP_003473.3, residues 1121-1141): DTAPLDGIDA[Pro1131=]GSQPEPGQTP